The following is an entry in ClinVar:

NM_002887.4(RARS1):c.1092A>G (p.Val364=)

Gene: RARS1 (arginyl-tRNA synthetase 1; plus strand). Cytogenetic location: 5q34.
Variant type: single nucleotide variant.
Coding change: c.1092A>G on transcript NM_002887.4 (MANE Select); coding-DNA position 1092, A replaced by G.
Protein change: p.Val364=; no amino-acid change (valine 364 retained).
Molecular consequence: synonymous variant.
Genome position (GRCh38, 1-based): chr5:168,506,055, A>G. VCF-style: chr5-168506055-A-G. GRCh37 (hg19) VCF-style: chr5-167933060-A-G.
Other names: p.Val364=.
Identifiers: ClinVar variation 380053 (VCV000380053.11), dbSNP rs2305733, ClinGen allele CA3549816.

ClinVar aggregate classification (germline): Benign. Review status: criteria provided, multiple submitters, no conflicts (2 of 4 stars). 3 submissions from 3 submitters: Benign (3). Last evaluated 2026-02-03.

Allele frequency attached by ClinVar (database versions not stated): 1000 Genomes Project 0.07448; 1000 Genomes Project 30x 0.07464; TOPMed 0.11886; gnomAD 0.12959 and 0.13278; gnomAD exomes 0.13391 and 0.17087; ExAC 0.13762; ESP Exome Variant Server 0.13763.
gnomAD v4.1: 266,687 of 1,602,944 alleles (17%); highest among the groups gnomAD compares: Non-Finnish European, 19%; 24,559 homozygotes.

Submissions (3):

Labcorp Genetics (formerly Invitae), Labcorp
Classification: Benign. Last evaluated: 2026-02-03. Review status: criteria provided, single submitter. Criteria: Invitae Variant Classification Sherloc (09022015). Collection method: clinical testing. Allele origin: germline.

Mayo Clinic Laboratories, Mayo Clinic
Classification: Benign. Last evaluated: 2022-10-27. Review status: criteria provided, single submitter. Criteria: ACMG Guidelines, 2015. Collection method: clinical testing. Allele origin: germline. Observed: 289 variant alleles.

GeneDx
Classification: Benign. Last evaluated: 2016-01-24. Review status: criteria provided, single submitter. Criteria: GeneDx Variant Classification (06012015). Collection method: clinical testing. Allele origin: germline. Affected: yes.
Comment: This variant is considered likely benign or benign based on one or more of the following criteria: it is a conservative change, it occurs at a poorly conserved position in the protein, it is predicted to be benign by multiple in silico algorithms, and/or has population frequency not consistent with disease.